The following is an entry in ClinVar:

NM_004357.5(CD151):c.507G>A (p.Trp169Ter)

Gene: CD151 (CD151 molecule (Raph blood group); plus strand). Cytogenetic location: 11p15.5.
Variant type: single nucleotide variant.
Coding change: c.507G>A on transcript NM_004357.5 (MANE Select); coding-DNA position 507, G replaced by A.
Protein change: p.Trp169Ter; replaces tryptophan 169 with a stop codon.
Molecular consequence: nonsense.
Genome position (GRCh38, 1-based): chr11:837,510, G>A. VCF-style: chr11-837510-G-A. GRCh37 (hg19) VCF-style: chr11-837510-G-A.
Other names: c.507G>A, p.Trp169Ter (NM_001039490.2, NM_139029.2, NM_139030.4); short protein forms W169*.
Identifiers: ClinVar variation 4770903 (VCV004770903.1).

ClinVar aggregate classification (germline): Uncertain significance (1 of 4 stars; one submission).

gnomAD v4.1: 1 of 1,612,982 alleles (0.000062%); highest among the groups gnomAD compares: East Asian, 0.0022%; no homozygotes.

Submission:

Labcorp Genetics (formerly Invitae), Labcorp
Classification: Uncertain significance. Last evaluated: 2025-10-19. Review status: criteria provided, single submitter. Criteria: Invitae Variant Classification Sherloc (09022015). Collection method: clinical testing. Allele origin: germline.
Comment: This sequence change creates a premature translational stop signal (p.Trp169*) in the CD151 gene. It is expected to result in an absent or disrupted protein product. However, the current clinical and genetic evidence is not sufficient to establish whether loss-of-function variants in CD151 cause disease. This variant is present in population databases (no rsID available, gnomAD 0.006%). This variant has not been reported in the literature in individuals affected with CD151-related conditions. In summary, the available evidence is currently insufficient to determine the role of this variant in disease. Therefore, it has been classified as a Variant of Uncertain Significance.